The following is an entry in ClinVar:

ClinVar aggregate classification (germline): Uncertain significance. Review status: criteria provided, multiple submitters, no conflicts (2 of 4 stars). 3 submissions from 3 submitters: Uncertain significance (3). Last evaluated 2026-01-21.

Conditions:
Symmetrical dyschromatosis of extremities (DSH). Also called: Dyschromatosis symmetrica hereditaria; DYSCHROMATOSIS SYMMETRICA HEREDITARIA 1; RETICULATE ACROPIGMENTATION OF DOHI; SYMMETRIC DYSCHROMATOSIS OF THE EXTREMITIES. Identifiers: Orphanet 41, MedGen C0406775, MONDO:0007483, OMIM 127400.
Aicardi-Goutieres syndrome 6 (AGS6). Identifiers: Orphanet 51, MedGen C3539013, MONDO:0014007, OMIM 615010.
Inborn genetic diseases. Identifiers: MedGen C0950123, MeSH D030342.

Allele frequency attached by ClinVar (database versions not stated): ExAC 0.00001; gnomAD 0.00002; gnomAD exomes 0.00002; TOPMed 0.00003.
gnomAD v4.1: 31 of 1,613,464 alleles (0.0019%); highest among the groups gnomAD compares: African/African-American, 0.0027%; no homozygotes.

Submissions (3):

Labcorp Genetics (formerly Invitae), Labcorp
Classification: Uncertain significance for Aicardi-Goutieres syndrome 6; Symmetrical dyschromatosis of extremities. Last evaluated: 2026-01-21. Review status: criteria provided, single submitter. Criteria: Invitae Variant Classification Sherloc (09022015). Collection method: clinical testing. Allele origin: germline.
Comment: This sequence change replaces proline, which is neutral and non-polar, with leucine, which is neutral and non-polar, at codon 62 of the ADAR protein (p.Pro62Leu). This variant is present in population databases (rs754467673, gnomAD 0.007%). This variant has not been reported in the literature in individuals affected with ADAR-related conditions. ClinVar contains an entry for this variant (Variation ID: 933454). An algorithm developed to predict the effect of missense changes on protein structure and function (PolyPhen-2) suggests that this variant is likely to be tolerated. In summary, the available evidence is currently insufficient to determine the role of this variant in disease. Therefore, it has been classified as a Variant of Uncertain Significance.

Ambry Genetics
Classification: Uncertain significance for Inborn genetic diseases. Last evaluated: 2025-08-24. Review status: criteria provided, single submitter. Criteria: Ambry Variant Classification Scheme 2023. Collection method: clinical testing. Allele origin: germline.

CeGaT Center for Human Genetics Tuebingen
Classification: Uncertain significance. Last evaluated: 2024-07-01. Review status: criteria provided, single submitter. Criteria: CeGaT Center For Human Genetics Tuebingen Variant Classification Criteria Version 2. Collection method: clinical testing. Allele origin: germline. Affected: yes. Observed: 1 variant allele.
Comment: ADAR: PM2, BP4

NM_001111.5(ADAR):c.185C>T (p.Pro62Leu)

Gene: ADAR (adenosine deaminase RNA specific; minus strand). Cytogenetic location: 1q21.3.
Variant type: single nucleotide variant.
Coding change: c.185C>T on transcript NM_001111.5 (MANE Select); coding-DNA position 185, C replaced by T.
Protein change: p.Pro62Leu; replaces proline 62 with leucine.
Molecular consequence: missense variant. On other transcripts: 5 prime UTR variant (6).
Genome position (GRCh38, 1-based): chr1:154,602,457, G>A on the plus strand (C>T on the coding strand, the complement: ADAR is on the minus strand). VCF-style: chr1-154602457-G-A. GRCh37 (hg19) VCF-style: chr1-154574933-G-A.
Other names: c.-701C>T (NM_001025107.3, NM_001193495.2, NM_001365048.1); c.212C>T, p.Pro71Leu (NM_001365045.1); c.-565C>T (NM_001365046.1, NM_001365047.1, NM_001365049.1); c.185C>T, p.Pro62Leu (NM_015840.4, NM_015841.4); short protein forms P62L, P71L.
Identifiers: ClinVar variation 933454 (VCV000933454.27), dbSNP rs754467673, ClinGen allele CA1131747.
Genomic context (GRCh38, chr1:154,602,457, plus strand): 5'-CTGGAGGCAAGTAGTACTGGAAACCTTGGCCGGAGTCCTGGGAGGGAAGGTGGCAGTGAC[G>A]GTGTCTGCTTTCCAATCACCGGTGCTTCTGGGAGCTGCCCCTTGAGAAATTCTATTTGCT-3'
Protein context (NP_001102.3, residues 52-72): PEAPVIGKQT[Pro62Leu]SLPPSLPGLR